The following is an entry in ClinVar:

NM_000535.7(PMS2):c.1972C>G (p.Gln658Glu)

Gene: PMS2 (PMS1 homolog 2, mismatch repair system component; minus strand). Cytogenetic location: 7p22.1.
Variant type: single nucleotide variant.
Coding change: c.1972C>G on transcript NM_000535.7 (MANE Select); coding-DNA position 1972, C replaced by G.
Protein change: p.Gln658Glu; replaces glutamine 658 with glutamic acid.
Molecular consequence: missense variant. On other transcripts: non-coding transcript variant (1).
Genome position (GRCh38, 1-based): chr7:5,986,793, G>C on the plus strand (C>G on the coding strand, the complement: PMS2 is on the minus strand). VCF-style: chr7-5986793-G-C. GRCh37 (hg19) VCF-style: chr7-6026424-G-C.
Other names: c.1567C>G, p.Gln523Glu (NM_001322003.2, NM_001322004.2, NM_001322005.2 and 1 more transcripts); c.1816C>G, p.Gln606Glu (NM_001322006.2); c.1654C>G, p.Gln552Glu (NM_001322007.2, NM_001322008.2); c.1411C>G, p.Gln471Glu (NM_001322010.2); c.1039C>G, p.Gln347Glu (NM_001322011.2, NM_001322012.2); c.1399C>G, p.Gln467Glu (NM_001322013.2); c.1972C>G, p.Gln658Glu (NM_001322014.2); c.1663C>G, p.Gln555Glu (NM_001322015.2); short protein forms Q467E, Q658E, Q347E, Q606E, Q471E, Q523E, Q552E, Q555E.
Identifiers: ClinVar variation 1345824 (VCV001345824.8), dbSNP rs1172837844, ClinGen allele CA366739010.

ClinVar aggregate classification (germline): Uncertain significance. Review status: criteria provided, multiple submitters, no conflicts (2 of 4 stars). 2 submissions from 2 submitters: Uncertain significance (2). Last evaluated 2022-04-13.

Conditions:
Hereditary cancer-predisposing syndrome. Also called: Hereditary neoplastic syndrome; Tumor predisposition; Neoplastic Syndromes, Hereditary; Hereditary Cancer Syndrome. Identifiers: Orphanet 140162, MedGen C0027672, MeSH D009386, MONDO:0015356.
Hereditary nonpolyposis colorectal neoplasms. Identifiers: MedGen C0009405, MeSH D003123.

Submissions (2):

Labcorp Genetics (formerly Invitae), Labcorp
Classification: Uncertain significance for Hereditary nonpolyposis colorectal neoplasms. Last evaluated: 2022-04-13. Review status: criteria provided, single submitter. Criteria: Invitae Variant Classification Sherloc (09022015). Collection method: clinical testing. Allele origin: germline.
Comment: In summary, the available evidence is currently insufficient to determine the role of this variant in disease. Therefore, it has been classified as a Variant of Uncertain Significance. Advanced modeling of protein sequence and biophysical properties (such as structural, functional, and spatial information, amino acid conservation, physicochemical variation, residue mobility, and thermodynamic stability) performed at Invitae indicates that this missense variant is not expected to disrupt PMS2 protein function. This variant has not been reported in the literature in individuals affected with PMS2-related conditions. This variant is not present in population databases (gnomAD no frequency). This sequence change replaces glutamine, which is neutral and polar, with glutamic acid, which is acidic and polar, at codon 658 of the PMS2 protein (p.Gln658Glu).

Ambry Genetics
Classification: Uncertain significance for Hereditary cancer-predisposing syndrome. Last evaluated: 2020-06-09. Review status: criteria provided, single submitter. Criteria: Ambry Variant Classification Scheme 2023. Collection method: clinical testing. Allele origin: germline.
Comment: The p.Q658E variant (also known as c.1972C>G), located in coding exon 11 of the PMS2 gene, results from a C to G substitution at nucleotide position 1972. The glutamine at codon 658 is replaced by glutamic acid, an amino acid with highly similar properties. This amino acid position is well conserved in available vertebrate species. In addition, the in silico prediction for this alteration is inconclusive. Since supporting evidence is limited at this time, the clinical significance of this alteration remains unclear.